The following is an entry in ClinVar:

NM_000152.5(GAA):c.2012T>A (p.Met671Lys)

Gene: GAA (alpha glucosidase; plus strand). Cytogenetic location: 17q25.3.
Variant type: single nucleotide variant.
Coding change: c.2012T>A on transcript NM_000152.5 (MANE Select); coding-DNA position 2012, T replaced by A.
Protein change: p.Met671Lys; replaces methionine 671 with lysine.
Molecular consequence: missense variant.
Genome position (GRCh38, 1-based): chr17:80,112,999, T>A. VCF-style: chr17-80112999-T-A. GRCh37 (hg19) VCF-style: chr17-78086798-T-A.
Other names: c.2012T>A, p.Met671Lys (NM_001079803.3, NM_001079804.3, NM_001406741.1 and 1 more transcripts); short protein forms M671K.
Identifiers: ClinVar variation 2506146 (VCV002506146.2), dbSNP rs398123170, ClinGen allele CA401370069.

ClinVar aggregate classification (germline): Uncertain significance. Review status: criteria provided, multiple submitters, no conflicts (2 of 4 stars). 2 submissions from 2 submitters: Uncertain significance (2). Last evaluated 2026-07-01.

Conditions:
Glycogen storage disease, type II (IOPD). Also called: CARDIOMEGALIA GLYCOGENICA DIFFUSA; GLYCOGENOSIS, GENERALIZED, CARDIAC FORM; GSD II; Glycogen storage disease type 2; Acid maltase deficiency disease; Aglucosidase alfa. Identifiers: Orphanet 365, MedGen C0017921, MONDO:0009290, OMIM 232300.

Submissions (2):

Genomenon, Inc
Classification: Uncertain significance for Glycogen storage disease, type II. Last evaluated: 2026-07-01. Review status: criteria provided, single submitter. Criteria: Genomenon Sequence Variant Interpretation Standards - Updated. Collection method: curation. Allele origin: germline. Affected: yes.
Comment: GAA p.Met671Lys (c.2012T>A) is a missense variant that changes the amino acid at codon 671 from Methionine to Lysine. This variant has been observed in at least one proband with a GAA-related disorder in the compound heterozygous and/or homozygous state (PMID:39273088). It is absent or not present at a significant frequency in gnomAD. In silico models predict that this variant is possibly or probably damaging. In conclusion, we classify GAA p.Met671Lys (c.2012T>A) as a variant of uncertain significance.

Women's Health and Genetics/Laboratory Corporation of America, LabCorp
Classification: Uncertain significance. Last evaluated: 2023-05-05. Review status: criteria provided, single submitter. Criteria: LabCorp Variant Classification Summary - May 2015. Collection method: clinical testing. Allele origin: germline.
Comment: Variant summary: GAA c.2012T>A (p.Met671Lys) results in a non-conservative amino acid change in the encoded protein sequence. Four of five in-silico tools predict a damaging effect of the variant on protein function. The variant was absent in 242276 control chromosomes (gnomAD). The available data on variant occurrences in the general population are insufficient to allow any conclusion about variant significance. c.2012T>A has been reported in the literature in individuals affected with Glycogen Storage Disease, Type 2 (Pompe Disease) (example: Ding_2015). This report does not provide unequivocal conclusions about association of the variant with Glycogen Storage Disease, Type 2 (Pompe Disease). Different variants affecting the same nucleotide and the amino acid (c.2012T>G, p.Met671Arg/c.2012T>C ,p.Met671Thr) is reported in association with GSD2 in ClinVar and at-least one is classified as pathogenic (CV ID 92469) suggesting this residue may be critical for normal protein function. To our knowledge, no experimental evidence demonstrating an impact on protein function has been reported. The following publication has been ascertained in the context of this evaluation (PMID: 26310554). No clinical diagnostic laboratories have submitted clinical-significance assessments for this variant to ClinVar after 2014. Based on the evidence outlined above, the variant was classified as uncertain significance.

Literature cited by the submitters: PubMed 39273088 (cited by Genomenon, Inc); PubMed 26310554 (cited by Women's Health and Genetics/Laboratory Corporation of America, LabCorp).